The following is an entry in ClinVar:

NM_021978.4(ST14):c.893C>A (p.Pro298His)

Gene: ST14 (ST14 transmembrane serine protease matriptase; plus strand). Cytogenetic location: 11q24.3.
Variant type: single nucleotide variant.
Coding change: c.893C>A on transcript NM_021978.4 (MANE Select); coding-DNA position 893, C replaced by A.
Protein change: p.Pro298His; replaces proline 298 with histidine.
Molecular consequence: missense variant.
Genome position (GRCh38, 1-based): chr11:130,194,166, C>A. VCF-style: chr11-130194166-C-A. GRCh37 (hg19) VCF-style: chr11-130064061-C-A.
Other names: short protein forms P298H.
Identifiers: ClinVar variation 452396 (VCV000452396.2), dbSNP rs772021263, ClinGen allele CA6363799.

ClinVar aggregate classification (germline): Uncertain significance (1 of 4 stars; one submission).

Allele frequency attached by ClinVar (database versions not stated): gnomAD 0.00001; TOPMed below 0.00001; ExAC 0.00001.
gnomAD v4.1: 20 of 1,614,090 alleles (0.0012%); highest among the groups gnomAD compares: Non-Finnish European, 0.0014%; no homozygotes.

Submission:

GeneDx
Classification: Uncertain significance. Last evaluated: 2017-09-27. Review status: criteria provided, single submitter. Criteria: GeneDx Variant Classification (06012015). Collection method: clinical testing. Allele origin: germline. Affected: yes.
Comment: The P298H variant in the ST14 gene has not been reported previously as a pathogenic variant, nor as a benign variant, to our knowledge. The P298H variant is not observed at a significant frequency in large population cohorts (Lek et al., 2016). The P298H variant is a non-conservative amino acid substitution, which occurs at a position that is not conserved. In silico analysis is inconsistent in its predictions as to whether or not the variant is damaging to the protein structure/function. We interpret P298H as a variant of uncertain significance.